The following is an entry in ClinVar:

NM_182641.4(BPTF):c.6182T>G (p.Met2061Arg)

Gene: BPTF (bromodomain PHD finger transcription factor; plus strand). Cytogenetic location: 17q24.2.
Variant type: single nucleotide variant.
Coding change: c.6182T>G on transcript NM_182641.4 (MANE Select); coding-DNA position 6182, T replaced by G.
Protein change: p.Met2061Arg; replaces methionine 2061 with arginine.
Molecular consequence: missense variant.
Genome position (GRCh38, 1-based): chr17:67,931,942, T>G. VCF-style: chr17-67931942-T-G. GRCh37 (hg19) VCF-style: chr17-65928058-T-G.
Other names: c.6371T>G, p.Met2124Arg (NM_001439139.1, NM_001439143.1, NM_001439144.1); c.6560T>G, p.Met2187Arg (NM_001439140.1, NM_001439142.1, NM_004459.7); c.6533T>G, p.Met2178Arg (NM_001439141.1); short protein forms M2061R, M2124R, M2178R, M2187R.
Identifiers: ClinVar variation 5020526 (VCV005020526.1).

ClinVar aggregate classification (germline): Uncertain significance (1 of 4 stars; one submission).

Submission:

Dasa
Classification: Uncertain significance. Last evaluated: 2026-05-20. Review status: criteria provided, single submitter. Criteria: DASA Assertion Criteria. Collection method: clinical testing. Allele origin: germline.
Comment: NM_182641.4(BPTF):c.6182T>G (p.Met2061Arg) is a missense variant that results in the substitution of methionine with arginine. This variant is absent from population databases. The currently available literature and clinical evidence are not sufficient to establish a definitive association between this variant and the reported condition. Therefore, this variant is classified as a variant of uncertain significance.